The following is an entry in ClinVar:

NM_019597.5(HNRNPH2):c.969C>T (p.Pro323=)

Genes: RPL36A-HNRNPH2 (RPL36A-HNRNPH2 readthrough; plus strand), HNRNPH2 (heterogeneous nuclear ribonucleoprotein H2; plus strand). Cytogenetic location: Xq22.1.
Variant type: single nucleotide variant.
Coding change: c.969C>T on transcript NM_019597.5 (MANE Select); coding-DNA position 969, C replaced by T.
Protein change: p.Pro323=; no amino-acid change (proline 323 retained).
Molecular consequence: synonymous variant. On other transcripts: 3 prime UTR variant (2).
Genome position (GRCh38, 1-based): chrX:101,412,957, C>T. VCF-style: chrX-101412957-C-T. GRCh37 (hg19) VCF-style: chrX-100667945-C-T.
Other names: c.*965C>T (NM_001199973.2, NM_001199974.2); c.969C>T, p.Pro323= (NM_001032393.3).
Identifiers: ClinVar variation 736844 (VCV000736844.6), dbSNP rs200532259, ClinGen allele CA10473490.

ClinVar aggregate classification (germline): Likely benign. Review status: criteria provided, multiple submitters, no conflicts (2 of 4 stars). 3 submissions from 3 submitters: Likely benign (3). Last evaluated 2026-04-01.

Allele frequency attached by ClinVar (database versions not stated): TOPMed 0.00005; ExAC 0.00006; gnomAD 0.00006 and 0.00007; ESP Exome Variant Server 0.00009; 1000 Genomes Project 30x 0.00021; 1000 Genomes Project 0.00026.

Submissions (3):

CeGaT Center for Human Genetics Tuebingen
Classification: Likely benign. Last evaluated: 2026-04-01. Review status: criteria provided, single submitter. Criteria: CeGaT Center For Human Genetics Tuebingen Variant Classification Criteria Version 2. Collection method: clinical testing. Allele origin: germline. Affected: yes. Observed: 2 variant alleles.
Comment: HNRNPH2: BP4, BP7, BS2

Labcorp Genetics (formerly Invitae), Labcorp
Classification: Likely benign. Last evaluated: 2018-03-01. Review status: criteria provided, single submitter. Criteria: Invitae Variant Classification Sherloc (09022015). Collection method: clinical testing. Allele origin: germline.

Breakthrough Genomics
Classification: Likely benign. Review status: criteria provided, single submitter. Criteria: ACMG Guidelines, 2015. Collection method: not provided. Allele origin: germline. Inheritance: X-linked inheritance. Affected: yes.